The following is an entry in ClinVar:

NM_001370694.2(ANO7):c.1383C>T (p.Leu461=)

Gene: ANO7 (anoctamin 7; plus strand). Cytogenetic location: 2q37.3.
Variant type: single nucleotide variant.
Coding change: c.1383C>T on transcript NM_001370694.2 (MANE Select); coding-DNA position 1383, C replaced by T.
Protein change: p.Leu461=; no amino-acid change (leucine 461 retained).
Molecular consequence: synonymous variant.
Genome position (GRCh38, 1-based): chr2:241,210,318, C>T. VCF-style: chr2-241210318-C-T. GRCh37 (hg19) VCF-style: chr2-242149733-C-T.
Other names: c.1545C>T, p.Leu515= (NM_001001891.3).
Identifiers: ClinVar variation 2652112 (VCV002652112.24), dbSNP rs112735824, ClinGen allele CA2215150.
Genomic context (GRCh38, chr2:241,210,318, plus strand): 5'-ACCGTGAAGGGTCTCACGGGCCTCCCTGCCCCCGCAGGTGGCCGTGGTGGTCATGTGCCT[C>T]GTGTCTATCATCCTGTACCGTGCCATCATGGCCATCGTGGTGTCCAGGTCGGGCAACACC-3'
Protein context (NP_001357623.1, residues 451-471): VVMVAVVVMC[Leu461=]VSIILYRAIM

ClinVar aggregate classification (germline): Likely benign (1 of 4 stars; one submission).

Allele frequency attached by ClinVar (database versions not stated): gnomAD exomes 0.00015; ExAC 0.00035; gnomAD 0.00078; TOPMed 0.00082; 1000 Genomes Project 0.00120; 1000 Genomes Project 30x 0.00125; ESP Exome Variant Server 0.00131.
gnomAD v4.1: 345 of 1,613,978 alleles (0.021%); highest among the groups gnomAD compares: African/African-American, 0.27%; no homozygotes.

Submission:

CeGaT Center for Human Genetics Tuebingen
Classification: Likely benign. Last evaluated: 2022-06-01. Review status: criteria provided, single submitter. Criteria: CeGaT Center For Human Genetics Tuebingen Variant Classification Criteria Version 2. Collection method: clinical testing. Allele origin: germline. Affected: yes. Observed: 1 variant allele.
Comment: ANO7: BP4, BP7